The following is an entry in ClinVar:

ClinVar aggregate classification (germline): Uncertain significance. Review status: criteria provided, multiple submitters, no conflicts (2 of 4 stars). 2 submissions from 2 submitters: Uncertain significance (2). Last evaluated 2026-08-06.

Conditions:
Brain small vessel disease 2A, autosomal dominant. Also called: Porencephaly 2. Identifiers: Orphanet 2940, Orphanet 99810, MedGen C3280970, MONDO:0013773, OMIM 614483.
Inborn genetic diseases. Identifiers: MedGen C0950123, MeSH D030342.

Submissions (2):

OLLIN Analises Genomicas, OLLIN
Classification: Uncertain significance for Brain small vessel disease 2A, autosomal dominant. Last evaluated: 2026-08-06. Review status: criteria provided, single submitter. Criteria: ACMG Guidelines 2015 PMID 25741868. Collection method: clinical testing. Allele origin: germline. Inheritance: Autosomal dominant inheritance.
Comment: This missense variant, located in exon 7 (of 48), has been observed in gnomAD with an allele frequency of 0.00097%, but has not been reported in ClinVar or identified in the literature. In silico analysis predicts that this variant has a deleterious effect. According to the currently available evidence, this variant has been classified as uncertain significance (PM2_P, PP3_S).

Ambry Genetics
Classification: Uncertain significance for Inborn genetic diseases. Last evaluated: 2026-08-03. Review status: criteria provided, single submitter. Criteria: Ambry Variant Classification Scheme 2023. Collection method: clinical testing. Allele origin: germline.

NM_001846.4(COL4A2):c.469G>A (p.Gly157Arg)

Gene: COL4A2 (collagen type IV alpha 2 chain; plus strand). Cytogenetic location: 13q34.
Variant type: single nucleotide variant.
Coding change: c.469G>A on transcript NM_001846.4 (MANE Select); coding-DNA position 469, G replaced by A.
Protein change: p.Gly157Arg; replaces glycine 157 with arginine.
Molecular consequence: missense variant.
Genome position (GRCh38, 1-based): chr13:110,428,575, G>A. VCF-style: chr13-110428575-G-A. GRCh37 (hg19) VCF-style: chr13-111080922-G-A.
Other names: c.469G>A (NM_001846.2); short protein forms G157R.
Identifiers: ClinVar variation 5002703 (VCV005002703.2).